The following is an entry in ClinVar:

NM_024652.6(LRRK1):c.40T>A (p.Cys14Ser)

Gene: LRRK1 (leucine rich repeat kinase 1; plus strand). Cytogenetic location: 15q26.3.
Variant type: single nucleotide variant.
Coding change: c.40T>A on transcript NM_024652.6 (MANE Select); coding-DNA position 40, T replaced by A.
Protein change: p.Cys14Ser; replaces cysteine 14 with serine.
Molecular consequence: missense variant.
Genome position (GRCh38, 1-based): chr15:100,924,672, T>A. VCF-style: chr15-100924672-T-A. GRCh37 (hg19) VCF-style: chr15-101464877-T-A.
Other names: short protein forms C14S.
Identifiers: ClinVar variation 1408613 (VCV001408613.6), dbSNP rs982310051, ClinGen allele CA275596666.
Genomic context (GRCh38, chr15:100,924,672, plus strand): 5'-GATCGGCTGCTGCAAGGGTTGATGGCTGGCATGTCGCAAAGACCCCCCAGCATGTACTGG[T>A]GTGTGGGGCCGGAGGAGTCAGCTGTGTGTCCAGAACGTGCCATGGAGACGCTTAACGGTA-3'
Protein context (NP_078928.3, residues 4-24): MSQRPPSMYW[Cys14Ser]VGPEESAVCP

ClinVar aggregate classification (germline): Uncertain significance (1 of 4 stars; one submission).

Allele frequency attached by ClinVar (database versions not stated): gnomAD exomes below 0.00001; gnomAD 0.00003 and 0.00004; TOPMed 0.00004.
gnomAD v4.1: 8 of 1,613,838 alleles (0.0005%); highest among the groups gnomAD compares: Non-Finnish European, 0.00051%; no homozygotes.

Submission:

Labcorp Genetics (formerly Invitae), Labcorp
Classification: Uncertain significance. Last evaluated: 2022-08-23. Review status: criteria provided, single submitter. Criteria: Invitae Variant Classification Sherloc (09022015). Collection method: clinical testing. Allele origin: germline.
Comment: This sequence change replaces cysteine, which is neutral and slightly polar, with serine, which is neutral and polar, at codon 14 of the LRRK1 protein (p.Cys14Ser). This variant is present in population databases (no rsID available, gnomAD 0.01%). This variant has not been reported in the literature in individuals affected with LRRK1-related conditions. ClinVar contains an entry for this variant (Variation ID: 1408613). Algorithms developed to predict the effect of missense changes on protein structure and function (SIFT, PolyPhen-2, Align-GVGD) all suggest that this variant is likely to be tolerated. In summary, the available evidence is currently insufficient to determine the role of this variant in disease. Therefore, it has been classified as a Variant of Uncertain Significance.